The following is an entry in ClinVar:

ClinVar aggregate classification (germline): Uncertain significance. Review status: criteria provided, multiple submitters, no conflicts (2 of 4 stars). 4 submissions from 4 submitters: Uncertain significance (3). 1 of the submissions does not count toward it. Last evaluated 2025-08-21.

Conditions:
Inborn genetic diseases. Identifiers: MedGen C0950123, MeSH D030342.
Glycogen storage disease, type V (GSD5). Also called: MCARDLE DISEASE; MUSCLE GLYCOGEN PHOSPHORYLASE DEFICIENCY; MYOPHOSPHORYLASE DEFICIENCY; PYGM DEFICIENCY; McArdle type glycogen storage disease. Identifiers: Orphanet 368, MedGen C0017924, MONDO:0009293, OMIM 232600.

Allele frequency attached by ClinVar (database versions not stated): gnomAD 0.00001 and 0.00002; TOPMed 0.00004.
gnomAD v4.1: 60 of 1,602,284 alleles (0.0037%); highest among the groups gnomAD compares: Non-Finnish European, 0.0045%; no homozygotes.

Submissions (4):

Labcorp Genetics (formerly Invitae), Labcorp
Classification: Uncertain significance for Glycogen storage disease, type V. Last evaluated: 2025-08-21. Review status: criteria provided, single submitter. Criteria: Invitae Variant Classification Sherloc (09022015). Collection method: clinical testing. Allele origin: germline.
Comment: This sequence change replaces valine, which is neutral and non-polar, with isoleucine, which is neutral and non-polar, at codon 453 of the PYGM protein (p.Val453Ile). The frequency data for this variant in the population databases is considered unreliable, as metrics indicate poor data quality at this position in the gnomAD database. This variant has not been reported in the literature in individuals affected with PYGM-related conditions. ClinVar contains an entry for this variant (Variation ID: 640074). Invitae Evidence Modeling of protein sequence and biophysical properties (such as structural, functional, and spatial information, amino acid conservation, physicochemical variation, residue mobility, and thermodynamic stability) indicates that this missense variant is not expected to disrupt PYGM protein function with a negative predictive value of 80%. In summary, the available evidence is currently insufficient to determine the role of this variant in disease. Therefore, it has been classified as a Variant of Uncertain Significance.

Ambry Genetics
Classification: Uncertain significance for Inborn genetic diseases. Last evaluated: 2025-08-13. Review status: criteria provided, single submitter. Criteria: Ambry Variant Classification Scheme 2023. Collection method: clinical testing. Allele origin: germline.

ARUP Laboratories, Molecular Genetics and Genomics, ARUP Laboratories
Classification: Uncertain significance for Glycogen storage disease, type V. Last evaluated: 2025-03-31. Review status: criteria provided, single submitter. Criteria: ARUP Molecular Germline Variant Investigation Process 2024. Collection method: clinical testing. Allele origin: germline.
Comment: The PYGM c.1357G>A; p.Val453Ile variant (rs151213354), to our knowledge, is not reported in the medical literature but is reported in ClinVar (Variation ID: 640074). This variant is found in the general population with an overall allele frequency of 0.002% (5/256,786 alleles) in the Genome Aggregation Database (v2.1.1). Computational analyses are uncertain whether this variant is neutral or deleterious (REVEL: 0.368). Due to limited information, the clinical significance of this variant is uncertain at this time.

Natera, Inc.
Classification: Uncertain significance for Glycogen storage disease V. Last evaluated: 2021-04-18. Review status: no assertion criteria provided. Collection method: clinical testing. Allele origin: germline. Not counted in ClinVar's aggregate classification.

NM_005609.4(PYGM):c.1357G>A (p.Val453Ile)

Gene: PYGM (glycogen phosphorylase, muscle associated; minus strand). Cytogenetic location: 11q13.1.
Variant type: single nucleotide variant.
Coding change: c.1357G>A on transcript NM_005609.4 (MANE Select); coding-DNA position 1357, G replaced by A.
Protein change: p.Val453Ile; replaces valine 453 with isoleucine.
Molecular consequence: missense variant.
Genome position (GRCh38, 1-based): chr11:64,753,565, C>T on the plus strand (G>A on the coding strand, the complement: PYGM is on the minus strand). VCF-style: chr11-64753565-C-T. GRCh37 (hg19) VCF-style: chr11-64521037-C-T.
Other names: c.1093G>A, p.Val365Ile (NM_001164716.1); c.1357G>A (NM_005609.2); short protein forms V365I, V453I.
Identifiers: ClinVar variation 640074 (VCV000640074.9), dbSNP rs151213354, ClinGen allele CA6079901.